The following is an entry in ClinVar:

NM_022489.4(INF2):c.3571A>G (p.Lys1191Glu)

Gene: INF2 (inverted formin 2; plus strand). Cytogenetic location: 14q32.33.
Variant type: single nucleotide variant.
Coding change: c.3571A>G on transcript NM_022489.4 (MANE Select); coding-DNA position 3571, A replaced by G.
Protein change: p.Lys1191Glu; replaces lysine 1191 with glutamic acid.
Molecular consequence: missense variant.
Genome position (GRCh38, 1-based): chr14:104,714,733, A>G. VCF-style: chr14-104714733-A-G. GRCh37 (hg19) VCF-style: chr14-105181070-A-G.
Other names: c.3571A>G, p.Lys1191Glu (NM_001031714.4); short protein forms K1191E.
Identifiers: ClinVar variation 1732802 (VCV001732802.2), dbSNP rs2541953391, ClinGen allele CA391225258.
Genomic context (GRCh38, chr14:104,714,733, plus strand): 5'-GATGAGGACGAGGACGAGGAGGACACGGCCCCAGAGTCCGCACTGGACACATCCCTGGAC[A>G]AGTCCTTCTCCGAGGATGCGGTGACCGACTCCTCGGGGTCGGGCACACTCCCCAGGGCCC-3'
Protein context (NP_071934.3, residues 1181-1201): PESALDTSLD[Lys1191Glu]SFSEDAVTDS

ClinVar aggregate classification (germline): Uncertain significance (1 of 4 stars; one submission).

Conditions:
Inborn genetic diseases. Identifiers: MedGen C0950123, MeSH D030342.

Submission:

Ambry Genetics
Classification: Uncertain significance for Inborn genetic diseases. Last evaluated: 2019-10-17. Review status: criteria provided, single submitter. Criteria: Ambry Variant Classification Scheme 2023. Collection method: clinical testing. Allele origin: germline.
Comment: The p.K1191E variant (also known as c.3571A>G), located in coding exon 20 of the INF2 gene, results from an A to G substitution at nucleotide position 3571. The lysine at codon 1191 is replaced by glutamic acid, an amino acid with similar properties. This amino acid position is poorly conserved in available vertebrate species. In addition, this alteration is predicted to be tolerated by in silico analysis. Since supporting evidence is limited at this time, the clinical significance of this alteration remains unclear.